The following is an entry in ClinVar:

NM_030667.3(PTPRO):c.1776C>T (p.Ser592=)

Gene: PTPRO (protein tyrosine phosphatase receptor type O; plus strand). Cytogenetic location: 12p12.3.
Variant type: single nucleotide variant.
Coding change: c.1776C>T on transcript NM_030667.3 (MANE Select); coding-DNA position 1776, C replaced by T.
Protein change: p.Ser592=; no amino-acid change (serine 592 retained).
Molecular consequence: synonymous variant.
Genome position (GRCh38, 1-based): chr12:15,516,953, C>T. VCF-style: chr12-15516953-C-T. GRCh37 (hg19) VCF-style: chr12-15669887-C-T.
Other names: c.1776C>T, p.Ser592= (NM_002848.4).
Identifiers: ClinVar variation 788116 (VCV000788116.12), dbSNP rs369419924, ClinGen allele CA6466603.

ClinVar aggregate classification (germline): Benign/Likely benign. Review status: criteria provided, multiple submitters, no conflicts (2 of 4 stars). 4 submissions from 4 submitters: Benign (1); Likely benign (2). 1 of the submissions does not count toward it. Last evaluated 2025-06-03.

Conditions:
PTPRO-related disorder. Also called: PTPRO-related condition.
Nephrotic syndrome, type 6 (NPHS6). Identifiers: Orphanet 656, MedGen C3280100, MONDO:0013619, OMIM 614196.

Allele frequency attached by ClinVar (database versions not stated): gnomAD 0.00001 and 0.00021; TOPMed 0.00005; ESP Exome Variant Server 0.00015; 1000 Genomes Project 30x 0.00031; 1000 Genomes Project 0.00040; gnomAD exomes 0.00041 and 0.00073; ExAC 0.00082.
gnomAD v4.1: 625 of 1,612,034 alleles (0.039%); highest among the groups gnomAD compares: South Asian, 0.63%; 10 homozygotes.

Submissions (4):

Labcorp Genetics (formerly Invitae), Labcorp
Classification: Benign. Last evaluated: 2025-06-03. Review status: criteria provided, single submitter. Criteria: Invitae Variant Classification Sherloc (09022015). Collection method: clinical testing. Allele origin: germline.

Blueprint Genetics
Classification: Likely benign. Last evaluated: 2024-11-26. Review status: criteria provided, single submitter. Criteria: ACMG Guidelines, 2015. Collection method: clinical testing. Allele origin: germline.

Fulgent Genetics
Classification: Likely benign for Nephrotic syndrome, type 6. Last evaluated: 2021-12-31. Review status: criteria provided, single submitter. Criteria: ACMG Guidelines, 2015. Collection method: clinical testing. Allele origin: unknown.

PreventionGenetics, part of Exact Sciences
Classification: Likely benign for PTPRO-related condition. Last evaluated: 2024-02-29. Review status: no assertion criteria provided. Collection method: clinical testing. Allele origin: germline. Not counted in ClinVar's aggregate classification.
Comment: This variant is classified as likely benign based on ACMG/AMP sequence variant interpretation guidelines (Richards et al. 2015 PMID: 25741868, with internal and published modifications).